The following is an entry in ClinVar:

NM_032242.4(PLXNA1):c.2895T>C (p.Arg965=)

Genes: PLXNA1 (plexin A1; plus strand), LOC129937476 (ATAC-STARR-seq lymphoblastoid active region 20450; plus strand). Cytogenetic location: 3q21.3.
Variant type: single nucleotide variant.
Coding change: c.2895T>C on transcript NM_032242.4 (MANE Select); coding-DNA position 2895, T replaced by C.
Protein change: p.Arg965=; no amino-acid change (arginine 965 retained).
Molecular consequence: synonymous variant.
Genome position (GRCh38, 1-based): chr3:127,015,201, T>C. VCF-style: chr3-127015201-T-C. GRCh37 (hg19) VCF-style: chr3-126734044-T-C.
Identifiers: ClinVar variation 4984440 (VCV004984440.1).

ClinVar aggregate classification (germline): Likely benign (1 of 4 stars; one submission).

Conditions:
PLXNA1-related disorder. Also called: PLXNA1-related condition.

gnomAD v4.1: 4 of 1,612,900 alleles (0.00025%); highest among the groups gnomAD compares: South Asian, 0.0033%; no homozygotes.

Submission:

PreventionGenetics, part of Exact Sciences
Classification: Likely benign for PLXNA1-related condition. Last evaluated: 2025-09-18. Review status: criteria provided, single submitter. Criteria: ACMG Guidelines, 2015. Collection method: clinical testing. Allele origin: germline.
Comment: This variant is classified as likely benign based on ACMG/AMP sequence variant interpretation guidelines (Richards et al. 2015 PMID: 25741868, with internal and published modifications).